The following is an entry in ClinVar:

NM_000362.5(TIMP3):c.*2651T>C

Genes: SYN3 (synapsin III; minus strand), TIMP3 (TIMP metallopeptidase inhibitor 3; plus strand). Cytogenetic location: 22q12.3.
Variant type: single nucleotide variant.
Coding change: c.*2651T>C on transcript NM_000362.5 (MANE Select); 2651 bases downstream of the stop codon, T replaced by C.
Molecular consequence: 3 prime UTR variant. On other transcripts: intron variant (7).
Genome position (GRCh38, 1-based): chr22:32,862,028, T>C. VCF-style: chr22-32862028-T-C. GRCh37 (hg19) VCF-style: chr22-33258015-T-C.
Other names: c.708+2887A>G (NM_001369909.1, NM_001135774.2, NM_001369910.1); c.711+2887A>G (NM_001369907.1, NM_003490.4, NM_001369908.1 and 1 more transcripts).
Identifiers: ClinVar variation 341392 (VCV000341392.6), dbSNP rs9621578, ClinGen allele CA10645390.
Genomic context (GRCh38, chr22:32,862,028, plus strand): 5'-CAGTGGAATGGAGAGGAAAATACTTCTAGGCAAGCAGCTAGACTGGTGAATTGGGGGAAA[T>C]AGAAGGAACTAGTAACTGAGACTCCTCCAGCCTCCTCCCTATTGGAATCCCAATGGCTCC-3'

ClinVar aggregate classification (germline): Benign. Review status: criteria provided, multiple submitters, no conflicts (2 of 4 stars). 2 submissions from 2 submitters: Benign (2). Last evaluated 2018-01-12.

Conditions:
Sorsby fundus dystrophy (SFD). Also called: MACULAR DYSTROPHY, HEMORRHAGIC; Sorsby fundus dystrophy, Lavia type; FUNDUS DYSTROPHY, PSEUDOINFLAMMATORY, OF SORSBY. Identifiers: Orphanet 59181, MedGen C1850938, MONDO:0007640, OMIM 136900.

Allele frequency attached by ClinVar (database versions not stated): 1000 Genomes Project 0.05331; 1000 Genomes Project 30x 0.05434; TOPMed 0.05451.

Submissions (2):

Illumina Laboratory Services, Illumina
Classification: Benign for Sorsby fundus dystrophy. Last evaluated: 2018-01-12. Review status: criteria provided, single submitter. Criteria: ICSL Variant Classification Criteria 13 December 2019. Collection method: clinical testing. Allele origin: germline.
Comment: This variant was observed in the ICSL laboratory as part of a predisposition screen in an ostensibly healthy population. It had not been previously curated by ICSL or reported in the Human Gene Mutation Database (HGMD: prior to June 1st, 2018), and was therefore a candidate for classification through an automated scoring system. Utilizing variant allele frequency, disease prevalence and penetrance estimates, and inheritance mode, an automated score was calculated to assess if this variant is too frequent to cause the disease. Based on the score and internal cut-off values, a variant classified as benign is not then subjected to further curation. The score for this variant resulted in a classification of benign for this disease.

Breakthrough Genomics
Classification: Benign. Review status: criteria provided, single submitter. Criteria: ACMG Guidelines, 2015. Collection method: not provided. Allele origin: germline. Inheritance: Autosomal dominant inheritance. Affected: yes.